The following is an entry in ClinVar:

NM_000260.4(MYO7A):c.4819T>C (p.Tyr1607His)

Gene: MYO7A (myosin VIIA; plus strand). Cytogenetic location: 11q13.5.
Variant type: single nucleotide variant.
Coding change: c.4819T>C on transcript NM_000260.4 (MANE Select); coding-DNA position 4819, T replaced by C.
Protein change: p.Tyr1607His; replaces tyrosine 1607 with histidine.
Molecular consequence: missense variant.
Genome position (GRCh38, 1-based): chr11:77,199,785, T>C. VCF-style: chr11-77199785-T-C. GRCh37 (hg19) VCF-style: chr11-76910830-T-C.
Other names: c.4705T>C, p.Tyr1569His (NM_001127180.2); c.4672T>C, p.Tyr1558His (NM_001369365.1); short protein forms Y1607H, Y1558H, Y1569H.
Identifiers: ClinVar variation 1981301 (VCV001981301.1), dbSNP rs774528138, ClinGen allele CA224849373.

ClinVar aggregate classification (germline): Uncertain significance (1 of 4 stars; one submission).

Allele frequency attached by ClinVar (database versions not stated): TOPMed below 0.00001; gnomAD exomes 0.00001.
gnomAD v4.1: 20 of 1,607,160 alleles (0.0012%); highest among the groups gnomAD compares: Admixed American, 0.0017%; no homozygotes.

Submission:

Labcorp Genetics (formerly Invitae), Labcorp
Classification: Uncertain significance. Last evaluated: 2022-10-12. Review status: criteria provided, single submitter. Criteria: Invitae Variant Classification Sherloc (09022015). Collection method: clinical testing. Allele origin: germline.
Comment: This sequence change replaces tyrosine, which is neutral and polar, with histidine, which is basic and polar, at codon 1607 of the MYO7A protein (p.Tyr1607His). This variant is present in population databases (rs774528138, gnomAD 0.003%). This variant has not been reported in the literature in individuals affected with MYO7A-related conditions. Advanced modeling of protein sequence and biophysical properties (such as structural, functional, and spatial information, amino acid conservation, physicochemical variation, residue mobility, and thermodynamic stability) performed at Invitae indicates that this missense variant is not expected to disrupt MYO7A protein function. Algorithms developed to predict the effect of sequence changes on RNA splicing suggest that this variant may disrupt the consensus splice site. In summary, the available evidence is currently insufficient to determine the role of this variant in disease. Therefore, it has been classified as a Variant of Uncertain Significance.